The following is an entry in ClinVar:

ClinVar aggregate classification (germline): Uncertain significance (1 of 4 stars; one submission).

Submission:

GeneDx
Classification: Uncertain significance. Last evaluated: 2024-05-02. Review status: criteria provided, single submitter. Criteria: GeneDx Variant Classification Process June 2021. Collection method: clinical testing. Allele origin: germline. Affected: yes.
Comment: Not observed at significant frequency in large population cohorts (gnomAD); In silico analysis supports that this missense variant has a deleterious effect on protein structure/function; Has not been previously published as pathogenic or benign to our knowledge

NM_001148.6(ANK2):c.3998T>C (p.Phe1333Ser)

Gene: ANK2 (ankyrin 2; plus strand). Cytogenetic location: 4q26.
Variant type: single nucleotide variant.
Coding change: c.3998T>C on transcript NM_001148.6 (MANE Select); coding-DNA position 3998, T replaced by C.
Protein change: p.Phe1333Ser; replaces phenylalanine 1333 with serine.
Molecular consequence: missense variant.
Genome position (GRCh38, 1-based): chr4:113,341,792, T>C. VCF-style: chr4-113341792-T-C. GRCh37 (hg19) VCF-style: chr4-114262948-T-C.
Other names: c.3971T>C, p.Phe1324Ser (NM_001127493.3); c.4010T>C, p.Phe1337Ser (NM_001354225.2); c.3899T>C, p.Phe1300Ser (NM_001354228.2, NM_001354258.2); c.3977T>C, p.Phe1326Ser (NM_001354230.2); c.4040T>C, p.Phe1347Ser (NM_001354231.2, NM_001354242.2); c.4034T>C, p.Phe1345Ser (NM_001354232.2); c.3995T>C, p.Phe1332Ser (NM_001354235.2, NM_001354246.2, NM_001354265.2); c.3896T>C, p.Phe1299Ser (NM_001354236.2); and 31 more; short protein forms F1172S, F1205S, F1233S, F1238S, F1246S, F1258S, F1262S, F1266S.
Identifiers: ClinVar variation 3375989 (VCV003375989.1).